The following is an entry in ClinVar:

NM_000059.4(BRCA2):c.9352_9353dup (p.Met3118fs)

Gene: BRCA2 (BRCA2 DNA repair associated; plus strand). Cytogenetic location: 13q13.1.
Variant type: Microsatellite.
Coding change: c.9352_9353dup on transcript NM_000059.4 (MANE Select); coding-DNA positions 9352 to 9353, 2 bases duplicated (AT; older notation c.9352_9353dupAT).
Protein change: p.Met3118fs; shifts the reading frame from methionine 3118.
Molecular consequence: frameshift variant.
Genome position (GRCh38, 1-based): chr13:32,394,784-32,394,785, AT duplicated; duplicating any 2 consecutive bases within chr13:32,394,782-32,394,785 gives the same sequence; the c. name uses the placement nearest the transcript's 3' end. VCF-style (leftmost placement, unchanged base first): chr13-32394781-C-CAT. GRCh37 (hg19) VCF-style: chr13-32968918-C-CAT.
Other names: short protein forms M3118fs.
Identifiers: ClinVar variation 548422 (VCV000548422.1), dbSNP rs786203318, ClinGen allele CA658823572.
Genomic context (GRCh38, chr13:32,394,781, plus strand): 5'-TGTTACAATTTACTGGCAATAAAGTTTTGGATAGACCTTAATGAGGACATTATTAAGCCT[C>CAT]ATATGTTAATTGCTGCAAGCAACCTCCAGTGGCGACCAGAATCCAAATCAGGCCTTCTTA-3'

ClinVar aggregate classification (germline): Pathogenic (3 of 4 stars; one submission).

Conditions:
Breast-ovarian cancer, familial, susceptibility to, 2 (BROVCA2). Also called: BRCA2 Hereditary Breast and Ovarian Cancer. Identifiers: Orphanet 145, MedGen C2675520, MONDO:0012933, OMIM 612555. Disease mechanism: loss of function.

Submission:

Evidence-based Network for the Interpretation of Germline Mutant Alleles (ENIGMA)
Classification: Pathogenic for Breast-ovarian cancer, familial, susceptibility to, 2. Last evaluated: 2017-12-15. Review status: reviewed by expert panel. Criteria: ENIGMA BRCA1/2 Classification Criteria (2017-06-29). Collection method: curation. Allele origin: germline. Study: ENIGMA.
Comment: Variant allele predicted to encode a truncated non-functional protein.